The following is an entry in ClinVar:

ClinVar aggregate classification (germline): Benign/Likely benign. Review status: criteria provided, multiple submitters, no conflicts (2 of 4 stars). 2 submissions from 2 submitters: Benign (1); Likely benign (1). Last evaluated 2018-01-12.

Conditions:
Megaloblastic anemia, thiamine-responsive, with diabetes mellitus and sensorineural deafness (TRMA). Also called: THIAMINE METABOLISM DYSFUNCTION SYNDROME 1 (MEGALOBLASTIC ANEMIA, DIABETES MELLITUS, AND DEAFNESS TYPE); ROGERS SYNDROME; THIAMINE-RESPONSIVE ANEMIA SYNDROME; THIAMINE-RESPONSIVE MYELODYSPLASIA; Thiamine-Responsive Megaloblastic Anemia Syndrome. Identifiers: Orphanet 49827, MedGen C0342287, MONDO:0009575, OMIM 249270.

Allele frequency attached by ClinVar (database versions not stated): gnomAD exomes 0.00234; gnomAD 0.05951 and 0.06134; 1000 Genomes Project 30x 0.09026; TOPMed 0.06598; 1000 Genomes Project 0.08706.
gnomAD v4.1: 9,292 of 152,418 alleles (6.1%); highest among the groups gnomAD compares: East Asian, 12%; 367 homozygotes.

Submissions (2):

Illumina Laboratory Services, Illumina
Classification: Benign for Megaloblastic anemia, thiamine-responsive, with diabetes mellitus and sensorineural deafness. Last evaluated: 2018-01-12. Review status: criteria provided, single submitter. Criteria: ICSL Variant Classification Criteria 13 December 2019. Collection method: clinical testing. Allele origin: germline.
Comment: This variant was observed in the ICSL laboratory as part of a predisposition screen in an ostensibly healthy population. It had not been previously curated by ICSL or reported in the Human Gene Mutation Database (HGMD: prior to June 1st, 2018), and was therefore a candidate for classification through an automated scoring system. Utilizing variant allele frequency, disease prevalence and penetrance estimates, and inheritance mode, an automated score was calculated to assess if this variant is too frequent to cause the disease. Based on the score and internal cut-off values, a variant classified as benign is not then subjected to further curation. The score for this variant resulted in a classification of benign for this disease.

Breakthrough Genomics
Classification: Likely benign. Review status: criteria provided, single submitter. Criteria: ACMG Guidelines, 2015. Collection method: not provided. Allele origin: germline. Inheritance: Autosomal recessive inheritance. Affected: yes.

NM_006996.3(SLC19A2):c.*1814G>A

Gene: SLC19A2 (solute carrier family 19 member 2; minus strand). Cytogenetic location: 1q24.2.
Variant type: single nucleotide variant.
Coding change: c.*1814G>A on transcript NM_006996.3 (MANE Select); 1814 bases downstream of the stop codon, G replaced by A.
Molecular consequence: 3 prime UTR variant.
Genome position (GRCh38, 1-based): chr1:169,464,035, C>T on the plus strand (G>A on the coding strand, the complement: SLC19A2 is on the minus strand). VCF-style: chr1-169464035-C-T. GRCh37 (hg19) VCF-style: chr1-169433273-C-T.
Other names: c.*1814G>A (NM_001319667.1).
Identifiers: ClinVar variation 293507 (VCV000293507.7), dbSNP rs12091844, ClinGen allele CA10608255.
Genomic context (GRCh38, chr1:169,464,035, plus strand): 5'-CAGAATTGAATAAAAAGTACAACAAATTATTTTCACTTATTTACAAAACTGCATACAGTA[C>T]AACTTGCACATTGAGTTCAGCATTCTATAAATATGGCCACATACCAAGATGTGAACATAT-3'